The following is an entry in ClinVar:

ClinVar aggregate classification (germline): Conflicting classifications of pathogenicity. Review status: criteria provided, conflicting classifications (1 of 4 stars). 17 submissions from 17 submitters: Pathogenic (1); Likely pathogenic (7); Uncertain significance (5). 4 of the submissions do not count toward it. Last evaluated 2026-03-13.

Conditions:
ABCA4-related disorder. Also called: ABCA4-related disorders; ABCA4-related condition. Identifiers: MedGen CN239167.
Severe early-childhood-onset retinal dystrophy (STGD1). Also called: MACULAR DYSTROPHY WITH FLECKS, TYPE 1; STGD; Stargardt macular dystrophy; Juvenile onset macular degeneration; Stargardt disease 1. Identifiers: Orphanet 364055, Orphanet 827, MedGen C1855465, MeSH D000080362, MONDO:0009549, OMIM 248200.
Cone-rod dystrophy 3 (CORD3). Identifiers: Orphanet 1872, MedGen C1858806, MONDO:0011395, OMIM 604116.
Retinitis pigmentosa 19 (RP19). Also called: ABCA4-Related Retinitis Pigmentosa. Identifiers: Orphanet 791, MedGen C1866422, MONDO:0011137, OMIM 601718.
Retinal dystrophy. Also called: Inherited retinal dystrophy. Identifiers: Orphanet 71862, MedGen C0854723, MeSH D058499, MONDO:0019118, HP:0000556.
Age related macular degeneration 2. Also called: MACULAR DEGENERATION, SENILE; MACULOPATHY, AGE-RELATED, 2; MACULOPATHY, AGE-RELATED. Identifiers: MedGen C3495438, MONDO:0007932, OMIM 153800.
Stargardt disease (FFM). Also called: Stargardt's disease; Fundus flavimaculatus. Identifiers: Orphanet 827, MedGen C0271093, MONDO:0019353.

Allele frequency attached by ClinVar (database versions not stated): gnomAD 0.00032 and 0.00033; gnomAD exomes 0.00041; ExAC 0.00046; ESP Exome Variant Server 0.00069; 1000 Genomes Project 30x 0.00016; 1000 Genomes Project 0.00020; TOPMed 0.00034.
gnomAD v4.1: 628 of 1,614,088 alleles (0.039%); highest among the groups gnomAD compares: Admixed American, 0.06%; 3 homozygotes.

Submissions (17):

PreventionGenetics, part of Exact Sciences
Classification: Uncertain significance for ABCA4-related condition. Last evaluated: 2026-03-13. Review status: criteria provided, single submitter. Criteria: ACMG Guidelines, 2015. Collection method: clinical testing. Allele origin: germline.
Comment: The ABCA4 c.514G>A variant is predicted to result in the amino acid substitution p.Gly172Ser. This variant has been reported in multiple individuals with Stargardt disease (see for examples, Jaakson et al. 2003. PubMed ID: 14517951; Roberts et al. 2012. PubMed ID: 22328824; Riera et al. 2019. PubMed ID: 30798147) and in multiple individuals with macular dystrophy (see for examples, Battu et al. 2015. PubMed ID: 25922843; Maggi et al. 2021. PubMed ID: 33546218; Table S2, Falsini et al. 2022. PubMed ID: 35260635). However, in some individuals, multiple ABCA4 variants were identified and in some other studies, information on whether a second causative variant was identified was not provided. This variant is present in 0.068% of alleles in individuals of Latino descent in gnomAD, including 3 homozygotes in gnomAD v4. In ClinVar, this variant has been interpreted as pathogenic, likely pathogenic, and uncertain (Variation ID: 99347). An in vitro experimental study suggests this variant has similar ATPase activity compared to wildtype activity (Aslaksen et al. 2024. PubMed ID: 39087934). At this time, the clinical significance of this variant is uncertain due to the conflicting evidence.

Labcorp Genetics (formerly Invitae), Labcorp
Classification: Pathogenic. Last evaluated: 2026-02-01. Review status: criteria provided, single submitter. Criteria: Invitae Variant Classification Sherloc (09022015). Collection method: clinical testing. Allele origin: germline.
Comment: This sequence change replaces glycine, which is neutral and non-polar, with serine, which is neutral and polar, at codon 172 of the ABCA4 protein (p.Gly172Ser). This variant is present in population databases (rs61748532, gnomAD 0.07%). This missense change has been observed in individual(s) with clinical features of ABCA4-related conditions (PMID: 19265867, 25922843; internal data). In at least one individual the data is consistent with being in trans (on the opposite chromosome) from a pathogenic variant. ClinVar contains an entry for this variant (Variation ID: 99347). Invitae Evidence Modeling of protein sequence and biophysical properties (such as structural, functional, and spatial information, amino acid conservation, physicochemical variation, residue mobility, and thermodynamic stability) indicates that this missense variant is not expected to disrupt ABCA4 protein function with a negative predictive value of 80%. For these reasons, this variant has been classified as Pathogenic.

First Genomix Gene Laboratory, Genetic Diagnostics Department
Classification: Likely pathogenic for Severe early-childhood-onset retinal dystrophy; Retinitis pigmentosa 19; Cone-rod dystrophy 3. Last evaluated: 2025-04-18. Review status: criteria provided, single submitter. Criteria: ACMG Guidelines, 2015. Collection method: clinical testing. Allele origin: germline. Inheritance: Autosomal recessive inheritance. Affected: no. Observed: 1 variant allele.

Revvity Omics, Revvity
Classification: Likely pathogenic. Last evaluated: 2025-01-07. Review status: criteria provided, single submitter. Criteria: ACMG Guidelines, 2015. Collection method: clinical testing. Allele origin: germline.

Blueprint Genetics
Classification: Uncertain significance. Last evaluated: 2024-10-21. Review status: criteria provided, single submitter. Criteria: ACMG Guidelines, 2015. Collection method: clinical testing. Allele origin: germline.

Fulgent Genetics
Classification: Likely pathogenic for Age related macular degeneration 2; Severe early-childhood-onset retinal dystrophy; Retinitis pigmentosa 19; Cone-rod dystrophy 3. Last evaluated: 2024-05-29. Review status: criteria provided, single submitter. Criteria: ACMG Guidelines, 2015. Collection method: clinical testing. Allele origin: germline.

CeGaT Center for Human Genetics Tuebingen
Classification: Uncertain significance. Last evaluated: 2023-07-01. Review status: criteria provided, single submitter. Criteria: CeGaT Center For Human Genetics Tuebingen Variant Classification Criteria Version 2. Collection method: clinical testing. Allele origin: germline. Affected: yes. Observed: 1 variant allele.

Department of Pathology and Laboratory Medicine, Sinai Health System
Classification: Likely pathogenic for Severe early-childhood-onset retinal dystrophy; Retinitis pigmentosa 19; Cone-rod dystrophy 3. Last evaluated: 2023-04-26. Review status: criteria provided, single submitter. Criteria: ACMG Guidelines, 2015. Collection method: research. Allele origin: germline.

Institute of Medical Molecular Genetics, University of Zurich
Classification: Likely pathogenic for Severe early-childhood-onset retinal dystrophy. Last evaluated: 2021-01-30. Review status: criteria provided, single submitter. Criteria: ACMG Guidelines, 2015. Collection method: clinical testing. Allele origin: unknown. Affected: yes.

Laboratory for Molecular Medicine, Mass General Brigham Personalized Medicine
Classification: Likely pathogenic for Stargardt disease. Last evaluated: 2020-06-19. Review status: criteria provided, single submitter. Criteria: LMM Criteria. Collection method: clinical testing. Allele origin: germline. Inheritance: Autosomal recessive inheritance. Observed: 1 variant allele.
Comment: The p.Gly172Ser variant in ABCA4 has been reported previously in 1 individual (zygosity not indicated) and in 3 compound heterozygous individuals with Stargardt disease (one had a second variant c.570+1G>A; the other individual carried 2 additional missense variants in cis (p.Val675Ile (ClinVar ID 288341) and p.Val2050Leu (ClinVar ID 7884), and a frameshift variant in trans (p.Ser1071fsX14); and the third individual carried p.Gly1961Glu (ClinVar ID 7888) in trans) (Jaakson 2003 PMID:14517951, Battu 2015 PMID: 25922843, Riera 2019 PMID: 30798147, Verdina 2017 PMID: 28365912). It has also been reported in ClinVar (Variation ID 99347) and identified in 0.07% (24/35440) of Latino chromosomes by gnomAD. Computational prediction tools and conservation analyses suggest that this variant may impact the protein, though this information is not predictive enough to determine pathogenicity. In summary, although additional studies are required to fully establish its clinical significance, this variant meets criteria to be classified as likely pathogenic for autosomal recessive Stargardt disease. ACMG/AMP Criteria applied: PP3, PM3_Strong, PM2_Supporting.

Centre for Mendelian Genomics, University Medical Centre Ljubljana
Classification: Uncertain significance for Age related macular degeneration 2. Last evaluated: 2019-11-12. Review status: criteria provided, single submitter. Criteria: ACMG Guidelines, 2015. Collection method: clinical testing. Allele origin: unknown. Affected: yes.
Comment: This variant was classified as: Uncertain significance. The available evidence favors the pathogenic nature of this variant, however the currently available data is insufficient to conclusively support its pathogenic nature. Thus this variant is classified as Uncertain significance - favor pathogenic. The following ACMG criteria were applied in classifying this variant: PM1,PP2,PP3.

Institute of Human Genetics, Univ. Regensburg, Univ. Regensburg
Classification: Uncertain significance for Retinal dystrophy. Last evaluated: 2019-01-01. Review status: criteria provided, single submitter. Criteria: ACMG Guidelines, 2015. Collection method: clinical testing. Allele origin: germline. Affected: yes.

Clinical Genetics Service, Universitary Hospital 12 de Octubre
Classification: Likely pathogenic for Severe early-childhood-onset retinal dystrophy. Review status: criteria provided, single submitter. Criteria: ACMG Guidelines, 2015. Collection method: clinical testing. Allele origin: germline. Affected: yes.

Clinical Genetics DNA and cytogenetics Diagnostics Lab, Erasmus MC, Erasmus Medical Center
Classification: Uncertain significance. Review status: no assertion criteria provided. Collection method: clinical testing. Allele origin: germline. Affected: yes. Study: VKGL Data-share Consensus. Not counted in ClinVar's aggregate classification.

Clinical Genetics, Academic Medical Center
Classification: Uncertain significance. Review status: no assertion criteria provided. Collection method: clinical testing. Allele origin: germline. Affected: yes. Study: VKGL Data-share Consensus. Not counted in ClinVar's aggregate classification.

Joint Genome Diagnostic Labs from Nijmegen and Maastricht, Radboudumc and MUMC+
Classification: Uncertain significance. Review status: no assertion criteria provided. Collection method: clinical testing. Allele origin: germline. Affected: yes. Study: VKGL Data-share Consensus. Not counted in ClinVar's aggregate classification.

Retina International
No classification provided. Review status: no classification provided. Collection method: not provided. Allele origin: not provided. Not counted in ClinVar's aggregate classification.

Literature cited by the submitters: PubMed 19265867 (cited by Labcorp Genetics (formerly Invitae), Labcorp); PubMed 25922843 (cited by Labcorp Genetics (formerly Invitae), Labcorp and Laboratory for Molecular Medicine, Mass General Brigham Personalized Medicine); PubMed 14517951 (cited by Laboratory for Molecular Medicine, Mass General Brigham Personalized Medicine and Institute of Human Genetics, Univ. Regensburg, Univ. Regensburg); PubMed 28365912 (cited by Laboratory for Molecular Medicine, Mass General Brigham Personalized Medicine); PubMed 30798147 (cited by Laboratory for Molecular Medicine, Mass General Brigham Personalized Medicine); PubMed 22264887 (cited by Institute of Human Genetics, Univ. Regensburg, Univ. Regensburg); PubMed 32483926 (cited by Institute of Human Genetics, Univ. Regensburg, Univ. Regensburg); PubMed 31964843 (cited by Institute of Human Genetics, Univ. Regensburg, Univ. Regensburg); PubMed 34426522 (cited by Institute of Human Genetics, Univ. Regensburg, Univ. Regensburg); PubMed 35260635 (cited by Institute of Human Genetics, Univ. Regensburg, Univ. Regensburg); PubMed 36460718 (cited by Institute of Human Genetics, Univ. Regensburg, Univ. Regensburg).

NM_000350.3(ABCA4):c.514G>A (p.Gly172Ser)

Gene: ABCA4 (ATP binding cassette subfamily A member 4; minus strand). Cytogenetic location: 1p22.1.
Variant type: single nucleotide variant.
Coding change: c.514G>A on transcript NM_000350.3 (MANE Select); coding-DNA position 514, G replaced by A.
Protein change: p.Gly172Ser; replaces glycine 172 with serine.
Molecular consequence: missense variant.
Genome position (GRCh38, 1-based): chr1:94,103,071, C>T on the plus strand (G>A on the coding strand, the complement: ABCA4 is on the minus strand). VCF-style: chr1-94103071-C-T. GRCh37 (hg19) VCF-style: chr1-94568627-C-T.
Other names: c.514G>A, p.Gly172Ser (NM_001425324.1); short protein forms G172S.
Identifiers: ClinVar variation 99347 (VCV000099347.54), dbSNP rs61748532, ClinGen allele CA227276.